The following is an entry in ClinVar:

ClinVar aggregate classification (germline): Uncertain significance (1 of 4 stars; one submission).

Allele frequency attached by ClinVar (database versions not stated): gnomAD 0.00001.

Submission:

Labcorp Genetics (formerly Invitae), Labcorp
Classification: Uncertain significance. Last evaluated: 2024-03-22. Review status: criteria provided, single submitter. Criteria: Invitae Variant Classification Sherloc (09022015). Collection method: clinical testing. Allele origin: germline.
Comment: This sequence change replaces proline, which is neutral and non-polar, with threonine, which is neutral and polar, at codon 115 of the LAMC3 protein (p.Pro115Thr). This variant is not present in population databases (gnomAD no frequency). This variant has not been reported in the literature in individuals affected with LAMC3-related conditions. ClinVar contains an entry for this variant (Variation ID: 2128547). An algorithm developed to predict the effect of missense changes on protein structure and function (PolyPhen-2) suggests that this variant is likely to be disruptive. In summary, the available evidence is currently insufficient to determine the role of this variant in disease. Therefore, it has been classified as a Variant of Uncertain Significance.

NM_006059.4(LAMC3):c.343C>A (p.Pro115Thr)

Gene: LAMC3 (laminin subunit gamma 3; plus strand). Cytogenetic location: 9q34.12.
Variant type: single nucleotide variant.
Coding change: c.343C>A on transcript NM_006059.4 (MANE Select); coding-DNA position 343, C replaced by A.
Protein change: p.Pro115Thr; replaces proline 115 with threonine.
Molecular consequence: missense variant.
Genome position (GRCh38, 1-based): chr9:131,009,557, C>A. VCF-style: chr9-131009557-C-A. GRCh37 (hg19) VCF-style: chr9-133884944-C-A.
Other names: short protein forms P115T.
Identifiers: ClinVar variation 2128547 (VCV002128547.3), dbSNP rs1374460961, ClinGen allele CA375250908.